The following is an entry in ClinVar:

ClinVar aggregate classification (germline): Uncertain significance (1 of 4 stars; one submission).

Submission:

CeGaT Center for Human Genetics Tuebingen
Classification: Uncertain significance. Last evaluated: 2025-11-01. Review status: criteria provided, single submitter. Criteria: CeGaT Center For Human Genetics Tuebingen Variant Classification Criteria Version 2. Collection method: clinical testing. Allele origin: germline. Affected: yes. Observed: 1 variant allele.
Comment: KCNH5: PM2, PM1:Supporting, PP3

NM_139318.5(KCNH5):c.976G>C (p.Val326Leu)

Gene: KCNH5 (potassium voltage-gated channel subfamily H member 5; minus strand). Cytogenetic location: 14q23.2.
Variant type: single nucleotide variant.
Coding change: c.976G>C on transcript NM_139318.5 (MANE Select); coding-DNA position 976, G replaced by C.
Protein change: p.Val326Leu; replaces valine 326 with leucine.
Molecular consequence: missense variant.
Genome position (GRCh38, 1-based): chr14:62,950,526, C>G on the plus strand (G>C on the coding strand, the complement: KCNH5 is on the minus strand). VCF-style: chr14-62950526-C-G. GRCh37 (hg19) VCF-style: chr14-63417244-C-G.
Other names: c.976G>C, p.Val326Leu (NM_172375.3); short protein forms V326L.
Identifiers: ClinVar variation 4534715 (VCV004534715.6).